The following is an entry in ClinVar:

ClinVar aggregate classification (germline): Uncertain significance (1 of 4 stars; one submission).

Conditions:
Hyper-IgE recurrent infection syndrome 1, autosomal dominant. Also called: STAT3 Hyper IgE Syndrome; Hyper-IgE recurrent infection syndrome 1; JOB SYNDROME; Job's Syndrome; HYPER-IgE SYNDROME 1, AUTOSOMAL DOMINANT, WITH RECURRENT INFECTIONS. Identifiers: Orphanet 2314, MedGen C2936739, MONDO:0007818, OMIM 147060.
STAT3 gain of function. Identifiers: MedGen C4288261.

Submission:

Labcorp Genetics (formerly Invitae), Labcorp
Classification: Uncertain significance for STAT3 gain of function; Hyper-IgE recurrent infection syndrome 1, autosomal dominant. Last evaluated: 2024-07-24. Review status: criteria provided, single submitter. Criteria: Invitae Variant Classification Sherloc (09022015). Collection method: clinical testing. Allele origin: germline.
Comment: This sequence change replaces isoleucine, which is neutral and non-polar, with leucine, which is neutral and non-polar, at codon 677 of the STAT3 protein (p.Ile677Leu). This variant is not present in population databases (gnomAD no frequency). This variant has not been reported in the literature in individuals affected with STAT3-related conditions. Advanced modeling of protein sequence and biophysical properties (such as structural, functional, and spatial information, amino acid conservation, physicochemical variation, residue mobility, and thermodynamic stability) has been performed at Invitae for this missense variant, however the output from this modeling did not meet the statistical confidence thresholds required to predict the impact of this variant on STAT3 protein function. In summary, the available evidence is currently insufficient to determine the role of this variant in disease. Therefore, it has been classified as a Variant of Uncertain Significance.

NM_139276.3(STAT3):c.2029A>C (p.Ile677Leu)

Gene: STAT3 (signal transducer and activator of transcription 3; minus strand). Cytogenetic location: 17q21.2.
Variant type: single nucleotide variant.
Coding change: c.2029A>C on transcript NM_139276.3 (MANE Select); coding-DNA position 2029, A replaced by C.
Protein change: p.Ile677Leu; replaces isoleucine 677 with leucine.
Molecular consequence: missense variant.
Genome position (GRCh38, 1-based): chr17:42,322,354, T>G on the plus strand (A>C on the coding strand, the complement: STAT3 is on the minus strand). VCF-style: chr17-42322354-T-G. GRCh37 (hg19) VCF-style: chr17-40474372-T-G.
Other names: c.2029A>C, p.Ile677Leu (NM_001369512.1, NM_001369513.1, NM_001369514.1 and 9 more transcripts); c.1945A>C, p.Ile649Leu (NM_001384984.1); c.1951A>C, p.Ile651Leu (NM_001384985.1); c.2044A>C, p.Ile682Leu (NM_001384986.1, NM_001384990.1); c.2008A>C, p.Ile670Leu (NM_001384987.1); c.1933A>C, p.Ile645Leu (NM_001384989.1); c.2002A>C, p.Ile668Leu (NM_001384991.1); c.1969A>C, p.Ile657Leu (NM_001384992.1); short protein forms I645L, I649L, I651L, I657L, I668L, I670L, I677L, I682L.
Identifiers: ClinVar variation 3757399 (VCV003757399.2).